The following is an entry in ClinVar:

NM_001035.3(RYR2):c.3265C>T (p.Arg1089Cys)

Gene: RYR2 (ryanodine receptor 2; plus strand). Cytogenetic location: 1q43.
Variant type: single nucleotide variant.
Coding change: c.3265C>T on transcript NM_001035.3 (MANE Select); coding-DNA position 3265, C replaced by T.
Protein change: p.Arg1089Cys; replaces arginine 1089 with cysteine.
Molecular consequence: missense variant.
Genome position (GRCh38, 1-based): chr1:237,566,617, C>T. VCF-style: chr1-237566617-C-T. GRCh37 (hg19) VCF-style: chr1-237729917-C-T.
Other names: c.3265C>T, p.Arg1089Cys (LRG_402t1); short protein forms R1089C.
Identifiers: ClinVar variation 252508 (VCV000252508.18), dbSNP rs879255350, ClinGen allele CA10585956.

ClinVar aggregate classification (germline): Uncertain significance. Review status: criteria provided, multiple submitters, no conflicts (2 of 4 stars). 7 submissions from 7 submitters: Uncertain significance (7). Last evaluated 2024-11-24.

Conditions:
Catecholaminergic polymorphic ventricular tachycardia 1. Also called: VENTRICULAR TACHYCARDIA, CATECHOLAMINERGIC POLYMORPHIC, 1, WITH OR WITHOUT ATRIAL DYSFUNCTION AND/OR DILATED CARDIOMYOPATHY; RYR2-Related Catecholaminergic Polymorphic Ventricular Tachycardia; VENTRICULAR TACHYCARDIA, STRESS-INDUCED POLYMORPHIC 1. Identifiers: Orphanet 3286, MedGen C1631597, MONDO:0011484, OMIM 604772.
Ventricular arrhythmias due to cardiac ryanodine receptor calcium release deficiency syndrome. Also called: Autosomal dominant cardiac arrhythmia (Kuhn). Identifiers: MedGen C5542154, MONDO:0020745, OMIM 115000.
Arrhythmogenic right ventricular dysplasia 2. Identifiers: MedGen C1832931.
Cardiovascular phenotype. Identifiers: MedGen CN230736.
Catecholaminergic polymorphic ventricular tachycardia (CVPT). Also called: Catecholamine-induced polymorphic ventricular tachycardia. Identifiers: Orphanet 3286, MedGen C5574922, MONDO:0017990.
Cardiomyopathy (CMYO). Also called: Cardiomyopathies. Identifiers: Orphanet 167848, MedGen C0878544, MONDO:0004994, HP:0001638. Inheritance: Various modes of inheritance.

Allele frequency attached by ClinVar (database versions not stated): gnomAD exomes below 0.00001 and 0.00001; TOPMed below 0.00001.
gnomAD v4.1: 11 of 1,613,968 alleles (0.00068%); highest among the groups gnomAD compares: Admixed American, 0.0017%; no homozygotes.

Submissions (7):

Labcorp Genetics (formerly Invitae), Labcorp
Classification: Uncertain significance for Catecholaminergic polymorphic ventricular tachycardia 1. Last evaluated: 2024-11-24. Review status: criteria provided, single submitter. Criteria: Invitae Variant Classification Sherloc (09022015). Collection method: clinical testing. Allele origin: germline.
Comment: This sequence change replaces arginine, which is basic and polar, with cysteine, which is neutral and slightly polar, at codon 1089 of the RYR2 protein (p.Arg1089Cys). This variant is present in population databases (no rsID available, gnomAD 0.003%). This variant has not been reported in the literature in individuals affected with RYR2-related conditions. ClinVar contains an entry for this variant (Variation ID: 252508). Invitae Evidence Modeling of protein sequence and biophysical properties (such as structural, functional, and spatial information, amino acid conservation, physicochemical variation, residue mobility, and thermodynamic stability) has been performed for this missense variant. However, the output from this modeling did not meet the statistical confidence thresholds required to predict the impact of this variant on RYR2 protein function. In summary, the available evidence is currently insufficient to determine the role of this variant in disease. Therefore, it has been classified as a Variant of Uncertain Significance.

Victorian Clinical Genetics Services, Murdoch Childrens Research Institute
Classification: Uncertain significance for Ventricular arrhythmias due to cardiac ryanodine receptor calcium release deficiency syndrome. Last evaluated: 2024-11-12. Review status: criteria provided, single submitter. Criteria: ACMG Guidelines, 2015. Collection method: clinical testing. Allele origin: germline. Affected: yes.
Comment: This variant is classified as VUS-3B. Evidence in support of pathogenic classification: Variant is present in gnomAD <0.001 for a dominant condition (v4: 11 heterozygote(s), 0 homozygote(s)); Missense variant predicted to be damaging by an in silico tool or highly conserved with a major amino acid change. Additional information: Variant is predicted to result in a missense amino acid change from arginine to cysteine; This variant is homozygous; This gene is associated with autosomal dominant disease; Multiple alternative amino acid changes at the same position have been observed in gnomAD (v4; highest allele count: 18 heterozygote(s), 0 homozygote(s)); Previous evidence of pathogenicity for this variant is inconclusive. This variant has been classified as a VUS by multiple clinical laboratories (ClinVar); No published segregation evidence has been identified for this variant; No published functional evidence has been identified for this variant; Another missense variant(s) comparable to the one identified in this case has inconclusive previous evidence for pathogenicity. p.(Arg1089His) has been classified as a VUS in ClinVar, and has been observed in an individual with dilated cardiomyopathy with an alternative genetic cause (PMID: 37198425). It was also identified in an individual as an incidental finding; however, it was classified as a VUS (PMID: 28404607); Variant is not located in an established domain, motif, hotspot or informative constraint region; Dominant negative and gain of function are known mechanisms of disease in this gene and are associated with catecholaminergic polymorphic ventricular tachycardia 1 (MIM#604772) and left ventricular non-compaction (PMID: 12459180, 27646203, 29477366, 31875585, 33500567). Loss of function has been reported for ventricular arrhythmias due to cardiac ryanodine receptor calcium release deficiency syndrome (MIM#115000); however, a dominant negative mechanism has not been excluded (PMID: 33536282); The condition associated with this gene has incomplete penetrance. Penetrance for CPVT is estimated to be 60-70% (PMID: 23549275); Inheritance information for this variant is not currently available in this individual.

Ambry Genetics
Classification: Uncertain significance for Cardiovascular phenotype. Last evaluated: 2024-06-07. Review status: criteria provided, single submitter. Criteria: Ambry Variant Classification Scheme 2023. Collection method: clinical testing. Allele origin: germline.
Comment: The p.R1089C variant (also known as c.3265C>T), located in coding exon 28 of the RYR2 gene, results from a C to T substitution at nucleotide position 3265. The arginine at codon 1089 is replaced by cysteine, an amino acid with highly dissimilar properties. This amino acid position is highly conserved in available vertebrate species. In addition, this alteration is predicted to be deleterious by in silico analysis. Based on the available evidence, the clinical significance of this variant remains unclear.

Color Diagnostics, LLC DBA Color Health
Classification: Uncertain significance for Cardiomyopathy. Last evaluated: 2024-03-06. Review status: criteria provided, single submitter. Criteria: ACMG Guidelines, 2015. Collection method: clinical testing. Allele origin: germline.
Comment: This missense variant replaces arginine with cysteine at codon 1089 of the RYR2 protein. Computational prediction suggests that this variant may have deleterious impact on protein structure and function (internally defined REVEL score threshold >= 0.7, PMID: 27666373). To our knowledge, functional studies have not been reported for this variant. This variant has not been reported in individuals affected with RYR2-related disorders in the literature. This variant has been identified in 1/249028 chromosomes in the general population by the Genome Aggregation Database (gnomAD). The available evidence is insufficient to determine the role of this variant in disease conclusively. Therefore, this variant is classified as a Variant of Uncertain Significance.

All of Us Research Program, National Institutes of Health
Classification: Uncertain significance for Catecholaminergic polymorphic ventricular tachycardia. Last evaluated: 2024-03-05. Review status: criteria provided, single submitter. Criteria: ACMG Guidelines, 2015. Collection method: clinical testing. Allele origin: germline. Inheritance: Autosomal dominant inheritance. Observed: 3 variant alleles, 3 heterozygotes.
Comment: This missense variant replaces arginine with cysteine at codon 1089 of the RYR2 protein. Computational prediction suggests that this variant may have deleterious impact on protein structure and function (internally defined REVEL score threshold >= 0.7, PMID: 27666373). Splice site prediction tools suggest that this variant may not impact RNA splicing. To our knowledge, functional studies have not been performed for this variant. This variant has not been reported in individuals affected with cardiovascular disorders in the literature. This variant has been identified in 1/249028 chromosomes in the general population by the Genome Aggregation Database (gnomAD). The available evidence is insufficient to determine the role of this variant in disease conclusively. Therefore, this variant is classified as a Variant of Uncertain Significance.

This study involves interpretation of variants in research participants for the purpose of population health screening. Participant phenotype was not available at the time of variant classification. Additional details can be found in publication PMID: 35346344, PMCID: PMC8962531

Fulgent Genetics
Classification: Uncertain significance for Ventricular arrhythmias due to cardiac ryanodine receptor calcium release deficiency syndrome; Catecholaminergic polymorphic ventricular tachycardia 1. Last evaluated: 2021-09-27. Review status: criteria provided, single submitter. Criteria: ACMG Guidelines, 2015. Collection method: clinical testing. Allele origin: unknown.

Genomic Diagnostic Laboratory, Division of Genomic Diagnostics, Children's Hospital of Philadelphia
Classification: Uncertain significance for Catecholaminergic polymorphic ventricular tachycardia. Last evaluated: 2015-09-17. Review status: criteria provided, single submitter. Criteria: DGD Variant Analysis Guidelines. Collection method: clinical testing. Allele origin: unknown.

Literature cited by the submitters: PubMed 31875585 (cited by Victorian Clinical Genetics Services, Murdoch Childrens Research Institute); PubMed 23549275 (cited by Victorian Clinical Genetics Services, Murdoch Childrens Research Institute); PubMed 12459180 (cited by Victorian Clinical Genetics Services, Murdoch Childrens Research Institute); PubMed 29477366 (cited by Victorian Clinical Genetics Services, Murdoch Childrens Research Institute); PubMed 33500567 (cited by Victorian Clinical Genetics Services, Murdoch Childrens Research Institute); PubMed 28404607 (cited by Victorian Clinical Genetics Services, Murdoch Childrens Research Institute); PubMed 37198425 (cited by Victorian Clinical Genetics Services, Murdoch Childrens Research Institute); PubMed 33536282 (cited by Victorian Clinical Genetics Services, Murdoch Childrens Research Institute); PubMed 27646203 (cited by Victorian Clinical Genetics Services, Murdoch Childrens Research Institute).